The following is an entry in ClinVar:

NM_004153.4(ORC1):c.1600G>A (p.Gly534Ser)

Gene: ORC1 (origin recognition complex subunit 1; minus strand). Cytogenetic location: 1p32.3.
Variant type: single nucleotide variant.
Coding change: c.1600G>A on transcript NM_004153.4 (MANE Select); coding-DNA position 1600, G replaced by A.
Protein change: p.Gly534Ser; replaces glycine 534 with serine.
Molecular consequence: missense variant.
Genome position (GRCh38, 1-based): chr1:52,384,705, C>T on the plus strand (G>A on the coding strand, the complement: ORC1 is on the minus strand). VCF-style: chr1-52384705-C-T. GRCh37 (hg19) VCF-style: chr1-52850377-C-T.
Other names: c.1600G>A, p.Gly534Ser (NM_001190818.2); c.1585G>A, p.Gly529Ser (NM_001190819.2); short protein forms G529S, G534S.
Identifiers: ClinVar variation 1395749 (VCV001395749.10), dbSNP rs142990704, ClinGen allele CA853259.

ClinVar aggregate classification (germline): Uncertain significance. Review status: criteria provided, multiple submitters, no conflicts (2 of 4 stars). 3 submissions from 3 submitters: Uncertain significance (3). Last evaluated 2026-02-01.

Allele frequency attached by ClinVar (database versions not stated): ExAC 0.00003; gnomAD 0.00003 and 0.00004; ESP Exome Variant Server 0.00008; gnomAD exomes 0.00002; TOPMed 0.00002.
gnomAD v4.1: 16 of 1,613,604 alleles (0.00099%); highest among the groups gnomAD compares: African/African-American, 0.0053%; no homozygotes.

Submissions (3):

CeGaT Center for Human Genetics Tuebingen
Classification: Uncertain significance. Last evaluated: 2026-02-01. Review status: criteria provided, single submitter. Criteria: CeGaT Center For Human Genetics Tuebingen Variant Classification Criteria Version 2. Collection method: clinical testing. Allele origin: germline. Affected: yes. Observed: 1 variant allele.
Comment: ORC1: PM2:Supporting, PP3

Blueprint Genetics
Classification: Uncertain significance. Last evaluated: 2023-02-03. Review status: criteria provided, single submitter. Criteria: ACMG Guidelines, 2015. Collection method: clinical testing. Allele origin: germline.

Labcorp Genetics (formerly Invitae), Labcorp
Classification: Uncertain significance. Last evaluated: 2021-08-28. Review status: criteria provided, single submitter. Criteria: Invitae Variant Classification Sherloc (09022015). Collection method: clinical testing. Allele origin: germline.
Comment: This sequence change replaces glycine with serine at codon 534 of the ORC1 protein (p.Gly534Ser). The glycine residue is highly conserved and there is a small physicochemical difference between glycine and serine. This variant is present in population databases (rs142990704, ExAC 0.01%). This variant has not been reported in the literature in individuals affected with ORC1-related conditions. Algorithms developed to predict the effect of missense changes on protein structure and function (SIFT, PolyPhen-2, Align-GVGD) all suggest that this variant is likely to be disruptive. Algorithms developed to predict the effect of sequence changes on RNA splicing suggest that this variant may create or strengthen a splice site. In summary, the available evidence is currently insufficient to determine the role of this variant in disease. Therefore, it has been classified as a Variant of Uncertain Significance.